The following is an entry in ClinVar:

NM_024301.5(FKRP):c.976G>T (p.Ala326Ser)

Gene: FKRP (fukutin related protein; plus strand). Cytogenetic location: 19q13.32.
Variant type: single nucleotide variant.
Coding change: c.976G>T on transcript NM_024301.5 (MANE Select); coding-DNA position 976, G replaced by T.
Protein change: p.Ala326Ser; replaces alanine 326 with serine.
Molecular consequence: missense variant.
Genome position (GRCh38, 1-based): chr19:46,756,426, G>T. VCF-style: chr19-46756426-G-T. GRCh37 (hg19) VCF-style: chr19-47259683-G-T.
Other names: c.976G>T, p.Ala326Ser (NM_001039885.3); short protein forms A326S.
Identifiers: ClinVar variation 1001942 (VCV001001942.8), dbSNP rs1201873802, ClinGen allele CA406496396.

ClinVar aggregate classification (germline): Uncertain significance (1 of 4 stars; one submission).

Conditions:
Walker-Warburg congenital muscular dystrophy. Also called: Muscular dystrophy-dystroglycanopathy, type A; Walker-Warburg syndrome. Identifiers: Orphanet 899, MedGen C0265221, MONDO:0000171.

gnomAD v4.1: 1 of 1,581,712 alleles (0.000063%); highest among the groups gnomAD compares: Non-Finnish European, 0.000086%; no homozygotes.

Submission:

Labcorp Genetics (formerly Invitae), Labcorp
Classification: Uncertain significance for Walker-Warburg congenital muscular dystrophy. Last evaluated: 2020-08-17. Review status: criteria provided, single submitter. Criteria: Invitae Variant Classification Sherloc (09022015). Collection method: clinical testing. Allele origin: germline.
Comment: In summary, the available evidence is currently insufficient to determine the role of this variant in disease. Therefore, it has been classified as a Variant of Uncertain Significance. Advanced modeling of protein sequence and biophysical properties (such as structural, functional, and spatial information, amino acid conservation, physicochemical variation, residue mobility, and thermodynamic stability) performed at Invitae indicates that this missense variant is expected to disrupt FKRP protein function. This variant has not been reported in the literature in individuals with FKRP-related conditions. This variant is not present in population databases (ExAC no frequency). This sequence change replaces alanine with serine at codon 326 of the FKRP protein (p.Ala326Ser). The alanine residue is moderately conserved and there is a moderate physicochemical difference between alanine and serine.